The following is an entry in ClinVar:

NM_152381.6(XIRP2):c.754C>T (p.Pro252Ser)

Gene: XIRP2 (xin actin binding repeat containing 2; plus strand). Cytogenetic location: 2q24.3.
Variant type: single nucleotide variant.
Coding change: c.754C>T on transcript NM_152381.6 (MANE Select); coding-DNA position 754, C replaced by T.
Protein change: p.Pro252Ser; replaces proline 252 with serine.
Molecular consequence: missense variant.
Genome position (GRCh38, 1-based): chr2:167,218,196, C>T. VCF-style: chr2-167218196-C-T. GRCh37 (hg19) VCF-style: chr2-168074706-C-T.
Other names: c.754C>T, p.Pro252Ser (NM_001079810.4); c.853C>T, p.Pro285Ser (NM_001199143.2); c.88C>T, p.Pro30Ser (NM_001199144.2, NM_001199145.2); c.754C>T (NM_152381.5); short protein forms P285S, P252S, P30S.
Identifiers: ClinVar variation 724597 (VCV000724597.7), dbSNP rs77278822, ClinGen allele CA1946265.

ClinVar aggregate classification (germline): Benign. Review status: criteria provided, multiple submitters, no conflicts (2 of 4 stars). 3 submissions from 3 submitters: Benign (2). 1 of the submissions does not count toward it. Last evaluated 2019-12-31.

Conditions:
XIRP2-related disorder. Also called: XIRP2-related condition.

Allele frequency attached by ClinVar (database versions not stated): ESP Exome Variant Server 0.00008; gnomAD 0.00203 and 0.00333; TOPMed 0.00315; gnomAD exomes 0.00597; ExAC 0.00613; 1000 Genomes Project 30x 0.01655; 1000 Genomes Project 0.01777.
gnomAD v4.1: 5,313 of 1,605,430 alleles (0.33%); highest among the groups gnomAD compares: East Asian, 9%; 216 homozygotes.

Submissions (3):

Labcorp Genetics (formerly Invitae), Labcorp
Classification: Benign. Last evaluated: 2019-12-31. Review status: criteria provided, single submitter. Criteria: Invitae Variant Classification Sherloc (09022015). Collection method: clinical testing. Allele origin: germline.

Breakthrough Genomics
Classification: Benign. Review status: criteria provided, single submitter. Criteria: ACMG Guidelines, 2015. Collection method: not provided. Allele origin: germline. Inheritance: Unknown mechanism. Affected: yes.

PreventionGenetics, part of Exact Sciences
Classification: Benign for XIRP2-related condition. Last evaluated: 2019-03-27. Review status: no assertion criteria provided. Collection method: clinical testing. Allele origin: germline. Not counted in ClinVar's aggregate classification.
Comment: This variant is classified as benign based on ACMG/AMP sequence variant interpretation guidelines (Richards et al. 2015 PMID: 25741868, with internal and published modifications).